The following is an entry in ClinVar:

ClinVar aggregate classification (germline): Uncertain significance (1 of 4 stars; one submission).

Conditions:
Hereditary cancer-predisposing syndrome. Also called: Tumor predisposition; Hereditary Cancer Syndrome; Hereditary neoplastic syndrome; Neoplastic Syndromes, Hereditary. Identifiers: Orphanet 140162, MedGen C0027672, MeSH D009386, MONDO:0015356.

Submission:

Ambry Genetics
Classification: Uncertain significance for Hereditary cancer-predisposing syndrome. Last evaluated: 2024-06-13. Review status: criteria provided, single submitter. Criteria: Ambry Variant Classification Scheme 2023. Collection method: clinical testing. Allele origin: germline.
Comment: The p.H121R variant (also known as c.362A>G), located in coding exon 2 of the PHOX2B gene, results from an A to G substitution at nucleotide position 362. The histidine at codon 121 is replaced by arginine, an amino acid with highly similar properties. This amino acid position is conserved. In addition, the in silico prediction for this alteration is inconclusive. Based on the available evidence, the clinical significance of this variant remains unclear.

NM_003924.4(PHOX2B):c.362A>G (p.His121Arg)

Gene: PHOX2B (paired like homeobox 2B; minus strand). Cytogenetic location: 4p13.
Variant type: single nucleotide variant.
Coding change: c.362A>G on transcript NM_003924.4 (MANE Select); coding-DNA position 362, A replaced by G.
Protein change: p.His121Arg; replaces histidine 121 with arginine.
Molecular consequence: missense variant.
Genome position (GRCh38, 1-based): chr4:41,747,416, T>C on the plus strand (A>G on the coding strand, the complement: PHOX2B is on the minus strand). VCF-style: chr4-41747416-T-C. GRCh37 (hg19) VCF-style: chr4-41749433-T-C.
Other names: short protein forms H121R.
Identifiers: ClinVar variation 3306286 (VCV003306286.1).